The following is an entry in ClinVar:

ClinVar aggregate classification (germline): Likely pathogenic (1 of 4 stars; one submission).

Conditions:
ITGB3-related disorder. Also called: ITGB3-related condition.

Submission:

PreventionGenetics, part of Exact Sciences
Classification: Likely pathogenic for ITGB3-related condition. Last evaluated: 2024-12-19. Review status: criteria provided, single submitter. Criteria: ACMG Guidelines, 2015. Collection method: clinical testing. Allele origin: germline.
Comment: The ITGB3 c.422dupA variant is predicted to result in premature protein termination (p.Tyr141*). To our knowledge, this variant has not been reported in the literature or in a large population database (gnomAD), indicating this variant is rare. Nonsense variants in ITGB3 are expected to be pathogenic. This variant is interpreted as likely pathogenic.

NM_000212.3(ITGB3):c.422dup (p.Tyr141Ter)

Gene: ITGB3 (integrin subunit beta 3; plus strand). Cytogenetic location: 17q21.32.
Variant type: Duplication.
Coding change: c.422dup on transcript NM_000212.3 (MANE Select); coding-DNA position 422, one base duplicated (A; older notation c.422dupA).
Protein change: p.Tyr141Ter; replaces tyrosine 141 with a stop codon.
Molecular consequence: nonsense. On other transcripts: frameshift variant (1).
Genome position (GRCh38, 1-based): chr17:47,284,503, A duplicated. VCF-style (leftmost placement, unchanged base first): chr17-47284502-T-TA. GRCh37 (hg19) VCF-style: chr17-45361868-T-TA.
Other names: c.422dupA (NM_000212.2); short protein forms Y141*.
Identifiers: ClinVar variation 5002190 (VCV005002190.1).